The following is an entry in ClinVar:

ClinVar aggregate classification (germline): Uncertain significance. Review status: criteria provided, multiple submitters, no conflicts (2 of 4 stars). 3 submissions from 3 submitters: Uncertain significance (3). Last evaluated 2025-06-12.

Conditions:
Charcot-Marie-Tooth disease, type I (CMT1). Also called: Charcot-Marie-Tooth disease type 1; Charcot-Marie-Tooth, Type 1. Identifiers: Orphanet 65753, MedGen C0751036, MONDO:0019011.
Inborn genetic diseases. Identifiers: MedGen C0950123, MeSH D030342.

Allele frequency attached by ClinVar (database versions not stated): gnomAD exomes below 0.00001 and 0.00001; ExAC 0.00002; TOPMed 0.00002.
gnomAD v4.1: 4 of 1,613,974 alleles (0.00025%); highest among the groups gnomAD compares: African/African-American, 0.0027%; no homozygotes.

Submissions (3):

GeneDx
Classification: Uncertain significance. Last evaluated: 2025-06-12. Review status: criteria provided, single submitter. Criteria: GeneDx Variant Classification Process June 2021. Collection method: clinical testing. Allele origin: germline. Affected: yes.
Comment: In silico analysis suggests that this missense variant does not alter protein structure/function; Has not been previously published as pathogenic or benign to our knowledge

Labcorp Genetics (formerly Invitae), Labcorp
Classification: Uncertain significance for Charcot-Marie-Tooth disease, type I. Last evaluated: 2024-08-01. Review status: criteria provided, single submitter. Criteria: Invitae Variant Classification Sherloc (09022015). Collection method: clinical testing. Allele origin: germline.
Comment: This sequence change replaces proline, which is neutral and non-polar, with alanine, which is neutral and non-polar, at codon 47 of the EGR2 protein (p.Pro47Ala). This variant is present in population databases (rs778369129, gnomAD 0.003%). This variant has not been reported in the literature in individuals affected with EGR2-related conditions. ClinVar contains an entry for this variant (Variation ID: 648183). Advanced modeling of protein sequence and biophysical properties (such as structural, functional, and spatial information, amino acid conservation, physicochemical variation, residue mobility, and thermodynamic stability) has been performed at Invitae for this missense variant, however the output from this modeling did not meet the statistical confidence thresholds required to predict the impact of this variant on EGR2 protein function. In summary, the available evidence is currently insufficient to determine the role of this variant in disease. Therefore, it has been classified as a Variant of Uncertain Significance.

Ambry Genetics
Classification: Uncertain significance for Inborn genetic diseases. Last evaluated: 2020-03-04. Review status: criteria provided, single submitter. Criteria: Ambry Variant Classification Scheme 2023. Collection method: clinical testing. Allele origin: germline.
Comment: The p.P47A variant (also known as c.139C>G), located in coding exon 1 of the EGR2 gene, results from a C to G substitution at nucleotide position 139. The proline at codon 47 is replaced by alanine, an amino acid with highly similar properties. This amino acid position is well conserved in available vertebrate species. In addition, this alteration is predicted to be tolerated by in silico analysis. Since supporting evidence is limited at this time, the clinical significance of this alteration remains unclear.

NM_000399.5(EGR2):c.139C>G (p.Pro47Ala)

Gene: EGR2 (early growth response 2; minus strand). Cytogenetic location: 10q21.3.
Variant type: single nucleotide variant.
Coding change: c.139C>G on transcript NM_000399.5 (MANE Select); coding-DNA position 139, C replaced by G.
Protein change: p.Pro47Ala; replaces proline 47 with alanine.
Molecular consequence: missense variant. On other transcripts: 5 prime UTR variant (2).
Genome position (GRCh38, 1-based): chr10:62,815,891, G>C on the plus strand (C>G on the coding strand, the complement: EGR2 is on the minus strand). VCF-style: chr10-62815891-G-C. GRCh37 (hg19) VCF-style: chr10-64575651-G-C.
Other names: c.139C>G, p.Pro47Ala (NM_001136177.3, NM_001136178.2); c.-12C>G (NM_001136179.3, NM_001321037.2); short protein forms P47A.
Identifiers: ClinVar variation 648183 (VCV000648183.9), dbSNP rs778369129, ClinGen allele CA5517334.